The following is an entry in ClinVar:

NM_139276.3(STAT3):c.38G>A (p.Arg13Gln)

Gene: STAT3 (signal transducer and activator of transcription 3; minus strand). Cytogenetic location: 17q21.2.
Variant type: single nucleotide variant.
Coding change: c.38G>A on transcript NM_139276.3 (MANE Select); coding-DNA position 38, G replaced by A.
Protein change: p.Arg13Gln; replaces arginine 13 with glutamine.
Molecular consequence: missense variant.
Genome position (GRCh38, 1-based): chr17:42,348,479, C>T on the plus strand (G>A on the coding strand, the complement: STAT3 is on the minus strand). VCF-style: chr17-42348479-C-T. GRCh37 (hg19) VCF-style: chr17-40500497-C-T.
Other names: c.38G>A, p.Arg13Gln (NM_001369512.1, NM_001369513.1, NM_001369514.1 and 17 more transcripts); short protein forms R13Q.
Identifiers: ClinVar variation 582847 (VCV000582847.12), dbSNP rs780720013, ClinGen allele CA8575728.
Genomic context (GRCh38, chr17:42,348,479, plus strand): 5'-AACTGCCGCAGCTCCATTGGGAAGCTGTCACTGTAGAGCTGATGGAGCTGCTCCAGGTAC[C>T]GTGTGTCAAGCTGCTGTAGCTGATTCCATTGGGCCATCCTGCTAAAATCAGGGGTCCCAA-3'
Protein context (NP_644805.1, residues 3-23): QWNQLQQLDT[Arg13Gln]YLEQLHQLYS

ClinVar aggregate classification (germline): Conflicting classifications of pathogenicity. Review status: criteria provided, conflicting classifications (1 of 4 stars). 2 submissions from 2 submitters: Uncertain significance (1); Likely benign (1). Last evaluated 2024-12-23.

Conditions:
Hyper-IgE recurrent infection syndrome 1, autosomal dominant. Also called: Job's Syndrome; Hyper-IgE recurrent infection syndrome 1; HYPER-IgE SYNDROME 1, AUTOSOMAL DOMINANT, WITH RECURRENT INFECTIONS; JOB SYNDROME; STAT3 Hyper IgE Syndrome. Identifiers: Orphanet 2314, MedGen C2936739, MONDO:0007818, OMIM 147060.
STAT3 gain of function. Identifiers: MedGen C4288261.

Allele frequency attached by ClinVar (database versions not stated): ExAC 0.00001; gnomAD 0.00001; gnomAD exomes 0.00001; TOPMed 0.00001.
gnomAD v4.1: 12 of 1,613,840 alleles (0.00074%); highest among the groups gnomAD compares: African/African-American, 0.0013%; no homozygotes.

Submissions (2):

Labcorp Genetics (formerly Invitae), Labcorp
Classification: Likely benign for STAT3 gain of function; Hyper-IgE recurrent infection syndrome 1, autosomal dominant. Last evaluated: 2024-12-23. Review status: criteria provided, single submitter. Criteria: Invitae Variant Classification Sherloc (09022015). Collection method: clinical testing. Allele origin: germline.

GeneDx
Classification: Uncertain significance. Last evaluated: 2023-09-26. Review status: criteria provided, single submitter. Criteria: GeneDx Variant Classification Process June 2021. Collection method: clinical testing. Allele origin: germline. Affected: yes.
Comment: Not observed at significant frequency in large population cohorts (gnomAD); In silico analysis, which includes protein predictors and evolutionary conservation, supports that this variant does not alter protein structure/function; Has not been previously published as pathogenic or benign to our knowledge